The following is an entry in ClinVar:

ClinVar aggregate classification (germline): Uncertain significance. Review status: criteria provided, multiple submitters, no conflicts (2 of 4 stars). 2 submissions from 2 submitters: Uncertain significance (2). Last evaluated 2025-05-03.

Conditions:
Inborn genetic diseases. Identifiers: MedGen C0950123, MeSH D030342.

Allele frequency attached by ClinVar (database versions not stated): ESP Exome Variant Server 0.00008.
gnomAD v4.1: 124 of 1,614,000 alleles (0.0077%); highest among the groups gnomAD compares: Non-Finnish European, 0.0092%; no homozygotes.

Submissions (2):

Ambry Genetics
Classification: Uncertain significance for Inborn genetic diseases. Last evaluated: 2025-05-03. Review status: criteria provided, single submitter. Criteria: Ambry Variant Classification Scheme 2023. Collection method: clinical testing. Allele origin: germline.

Labcorp Genetics (formerly Invitae), Labcorp
Classification: Uncertain significance. Last evaluated: 2023-10-26. Review status: criteria provided, single submitter. Criteria: Invitae Variant Classification Sherloc (09022015). Collection method: clinical testing. Allele origin: germline.
Comment: This sequence change replaces valine, which is neutral and non-polar, with methionine, which is neutral and non-polar, at codon 3111 of the DNAH9 protein (p.Val3111Met). This variant is present in population databases (rs201053592, gnomAD 0.007%). This variant has not been reported in the literature in individuals affected with DNAH9-related conditions. ClinVar contains an entry for this variant (Variation ID: 1928602). Advanced modeling of protein sequence and biophysical properties (such as structural, functional, and spatial information, amino acid conservation, physicochemical variation, residue mobility, and thermodynamic stability) performed at Invitae indicates that this missense variant is not expected to disrupt DNAH9 protein function with a negative predictive value of 80%. In summary, the available evidence is currently insufficient to determine the role of this variant in disease. Therefore, it has been classified as a Variant of Uncertain Significance.

NM_001372.4(DNAH9):c.9331G>A (p.Val3111Met)

Gene: DNAH9 (dynein axonemal heavy chain 9; plus strand). Cytogenetic location: 17p12.
Variant type: single nucleotide variant.
Coding change: c.9331G>A on transcript NM_001372.4 (MANE Select); coding-DNA position 9331, G replaced by A.
Protein change: p.Val3111Met; replaces valine 3111 with methionine.
Molecular consequence: missense variant.
Genome position (GRCh38, 1-based): chr17:11,834,722, G>A. VCF-style: chr17-11834722-G-A. GRCh37 (hg19) VCF-style: chr17-11738039-G-A.
Other names: c.9331G>A (NM_001372.3); short protein forms V3111M.
Identifiers: ClinVar variation 1928602 (VCV001928602.6), dbSNP rs201053592, ClinGen allele CA8397198.
Genomic context (GRCh38, chr17:11,834,722, plus strand): 5'-GCTGCCCAGGAAGTAGAGCTGAAGCAGAAAAATGAAGATGCAGACAAACTGATTCAGGTC[G>A]TGGGTGTGGAGACTGACAAAGTGAGCAGAGAGAAAGCCATGGCAGATGAAGAGGAGCAGA-3'
Protein context (NP_001363.2, residues 3101-3121): NEDADKLIQV[Val3111Met]GVETDKVSRE